The following is an entry in ClinVar:

ClinVar aggregate classification (germline): Uncertain significance. Review status: criteria provided, single submitter (1 of 4 stars). 2 submissions from 2 submitters: Uncertain significance (1). 1 of the submissions does not count toward it. Last evaluated 2022-07-11.

Conditions:
Familial dysautonomia. Also called: HSAN III; FD. Identifiers: Orphanet 1764, MedGen C0013364, MONDO:0009131, OMIM 223900. Disease mechanism: loss of function.

Allele frequency attached by ClinVar (database versions not stated): gnomAD exomes below 0.00001 and 0.00001; TOPMed below 0.00001; gnomAD 0.00001; ESP Exome Variant Server 0.00008.
gnomAD v4.1: 18 of 1,614,080 alleles (0.0011%); highest among the groups gnomAD compares: Non-Finnish European, 0.0014%; no homozygotes.

Submissions (2):

Labcorp Genetics (formerly Invitae), Labcorp
Classification: Uncertain significance. Last evaluated: 2022-07-11. Review status: criteria provided, single submitter. Criteria: Invitae Variant Classification Sherloc (09022015). Collection method: clinical testing. Allele origin: germline.
Comment: This sequence change replaces asparagine, which is neutral and polar, with tyrosine, which is neutral and polar, at codon 1321 of the ELP1 protein (p.Asn1321Tyr). This variant is present in population databases (rs367795801, gnomAD 0.0009%). This variant has not been reported in the literature in individuals affected with ELP1-related conditions. ClinVar contains an entry for this variant (Variation ID: 1054386). Algorithms developed to predict the effect of missense changes on protein structure and function are either unavailable or do not agree on the potential impact of this missense change (SIFT: "Tolerated"; PolyPhen-2: "Possibly Damaging"; Align-GVGD: "Class C0"). In summary, the available evidence is currently insufficient to determine the role of this variant in disease. Therefore, it has been classified as a Variant of Uncertain Significance.

Natera, Inc.
Classification: Uncertain significance for Familial dysautonomia. Last evaluated: 2020-08-10. Review status: no assertion criteria provided. Collection method: clinical testing. Allele origin: germline. Not counted in ClinVar's aggregate classification.

NM_003640.5(ELP1):c.3961A>T (p.Asn1321Tyr)

Gene: ELP1 (elongator acetyltransferase complex subunit 1; minus strand). Cytogenetic location: 9q31.3.
Variant type: single nucleotide variant.
Coding change: c.3961A>T on transcript NM_003640.5 (MANE Select); coding-DNA position 3961, A replaced by T.
Protein change: p.Asn1321Tyr; replaces asparagine 1321 with tyrosine.
Molecular consequence: missense variant.
Genome position (GRCh38, 1-based): chr9:108,869,153, T>A on the plus strand (A>T on the coding strand, the complement: ELP1 is on the minus strand). VCF-style: chr9-108869153-T-A. GRCh37 (hg19) VCF-style: chr9-111631433-T-A.
Other names: c.3619A>T, p.Asn1207Tyr (NM_001318360.2); c.2914A>T, p.Asn972Tyr (NM_001330749.2); short protein forms N1207Y, N1321Y, N972Y.
Identifiers: ClinVar variation 1054386 (VCV001054386.3), dbSNP rs367795801, ClinGen allele CA197514840.
Genomic context (GRCh38, chr9:108,869,153, plus strand): 5'-GATCCCTCCTAACTGCAGTCACTCAGTCTAGCAGGCTCAGCTTCCACTGGGTTCTTCTGT[T>A]GATCTTTGGTGGTATAAAAAGCTCAGCATCTAAAAGCAAGAAAGGAAGGGAAATTGTGAC-3'
Protein context (NP_003631.2, residues 1311-1331): DAELFIPPKI[Asn1321Tyr]RRTQWKLSLL